The following is an entry in ClinVar:

NC_000001.10:g.(?_197407736)_(197423021_?)del

Gene: CRB1 (crumbs cell polarity complex component 1; plus strand). Cytogenetic location: 1q31.3.
Variant type: Deletion.
Identifiers: ClinVar variation 2427683 (VCV002427683.3).

ClinVar aggregate classification (germline): Pathogenic (1 of 4 stars; one submission).

Conditions:
Retinitis pigmentosa 12 (RP12). Also called: RP WITH OR WITHOUT PRESERVED PARAARTERIOLE RETINAL PIGMENT EPITHELIUM; RETINITIS PIGMENTOSA WITH OR WITHOUT PARAARTERIOLAR PRESERVATION OF RETINAL PIGMENT EPITHELIUM; RP WITH OR WITHOUT PPRPE. Identifiers: Orphanet 791, MedGen C1838647, MONDO:0010818, OMIM 600105.
Leber congenital amaurosis 8 (LCA8). Identifiers: Orphanet 65, MedGen C3151202, MONDO:0013453, OMIM 613835.

Submission:

Labcorp Genetics (formerly Invitae), Labcorp
Classification: Pathogenic for Leber congenital amaurosis 8; Retinitis pigmentosa 12. Last evaluated: 2022-02-13. Review status: criteria provided, single submitter. Criteria: Invitae Variant Classification Sherloc (09022015). Collection method: clinical testing. Allele origin: germline.
Comment: For these reasons, this variant has been classified as Pathogenic. This variant disrupts a region of the CRB1 protein in which other variant(s) (p.Gly1288Ser) have been determined to be pathogenic (PMID: 31630094, 33342761). This suggests that this is a clinically significant region of the protein, and that variants that disrupt it are likely to be disease-causing. Variants that disrupt the consensus splice site are a relatively common cause of aberrant splicing (PMID: 17576681, 9536098). This variant has not been reported in the literature in individuals affected with CRB1-related conditions. This variant results in the deletion of part of exon 10 and exon 11 (c.3809_4005+11599del) of the CRB1 gene. While this variant is not anticipated to result in nonsense mediated decay, it likely alters RNA splicing and results in a disrupted protein product.

Literature cited by the submitters: PubMed 31630094; PubMed 33342761; PubMed 17576681; PubMed 9536098.